The following is an entry in ClinVar:

NM_145059.3(FCSK):c.469_470del (p.Val157fs)

Gene: FCSK (fucose kinase; plus strand). Cytogenetic location: 16q22.1.
Variant type: Deletion.
Coding change: c.469_470del on transcript NM_145059.3 (MANE Select); coding-DNA positions 469 to 470, 2 bases deleted (GT; older notation c.469_470delGT).
Protein change: p.Val157fs; shifts the reading frame from valine 157.
Molecular consequence: frameshift variant.
Genome position (GRCh38, 1-based): chr16:70,466,939-70,466,940, GT deleted; deleting any 2 consecutive bases within chr16:70,466,938-70,466,940 gives the same sequence; the c. name uses the placement nearest the transcript's 3' end. VCF-style (leftmost placement, unchanged base first): chr16-70466937-CTG-C. GRCh37 (hg19) VCF-style: chr16-70500840-CTG-C.
Other names: short protein forms V157fs.
Identifiers: ClinVar variation 2102683 (VCV002102683.4), dbSNP rs2507420701, ClinGen allele CA2580091916.
Genomic context (GRCh38, chr16:70,466,937, plus strand): 5'-CACAGCTGGGCCCGGGCTCCCCGCCAGGCGTGTGGGTCTGCAGCACCGACATGCTGCTGT[CTG>C]TTCCTGCAAATCCTGGTGAGCCTGAGACTACCTGGGACTGCCTTCCTTCGTCACAGCCAC-3'

ClinVar aggregate classification (germline): Uncertain significance (1 of 4 stars; one submission).

Submission:

Labcorp Genetics (formerly Invitae), Labcorp
Classification: Uncertain significance. Last evaluated: 2022-04-19. Review status: criteria provided, single submitter. Criteria: Invitae Variant Classification Sherloc (09022015). Collection method: clinical testing. Allele origin: germline.
Comment: In summary, the available evidence is currently insufficient to determine the role of this variant in disease. Therefore, it has been classified as a Variant of Uncertain Significance. This sequence change creates a premature translational stop signal (p.Val157Serfs*35) in the FUK gene. It is expected to result in an absent or disrupted protein product. However, the current clinical and genetic evidence is not sufficient to establish whether loss-of-function variants in FUK cause disease. This variant is not present in population databases (gnomAD no frequency). This variant has not been reported in the literature in individuals affected with FUK-related conditions.